The following is an entry in ClinVar:

NM_080680.3(COL11A2):c.4264_4265insT (p.Pro1422fs)

Gene: COL11A2 (collagen type XI alpha 2 chain; minus strand). Cytogenetic location: 6p21.32.
Variant type: Insertion.
Coding change: c.4264_4265insT on transcript NM_080680.3 (MANE Select); coding-DNA positions 4264 to 4265, T inserted.
Protein change: p.Pro1422fs; shifts the reading frame from proline 1422.
Molecular consequence: frameshift variant.
Genome position: GRCh38 VCF-style: chr6-33166793-G-GA. GRCh37 (hg19) VCF-style: chr6-33134570-G-GA.
Other names: c.4084_4085insT, p.Pro1362fs (NM_001424108.1); c.3418_3419insT, p.Pro1140fs (NM_001424109.1); c.3238_3239insT, p.Pro1080fs (NM_001424110.1, NM_001424111.1); c.2218_2219insT, p.Pro740fs (NM_001424112.1); c.3943_3944insT, p.Pro1315fs (NM_080679.3); c.4006_4007insT, p.Pro1336fs (NM_080681.3); short protein forms P1140fs, P1422fs, P740fs, P1336fs, P1080fs, P1315fs, P1362fs.
Identifiers: ClinVar variation 3648928 (VCV003648928.2).

ClinVar aggregate classification (germline): Pathogenic (1 of 4 stars; one submission).

Submission:

Labcorp Genetics (formerly Invitae), Labcorp
Classification: Pathogenic. Last evaluated: 2024-04-05. Review status: criteria provided, single submitter. Criteria: Invitae Variant Classification Sherloc (09022015). Collection method: clinical testing. Allele origin: germline.
Comment: This sequence change creates a premature translational stop signal (p.Pro1422Leufs*3) in the COL11A2 gene. It is expected to result in an absent or disrupted protein product. Loss-of-function variants in COL11A2 are known to be pathogenic (PMID: 10677296, 21204229). This variant is not present in population databases (gnomAD no frequency). This variant has not been reported in the literature in individuals affected with COL11A2-related conditions. Algorithms developed to predict the effect of sequence changes on RNA splicing suggest that this variant may disrupt the consensus splice site. For these reasons, this variant has been classified as Pathogenic.

Literature cited by the submitters: PubMed 10677296; PubMed 21204229.